The following is an entry in ClinVar:

ClinVar aggregate classification (germline): Benign/Likely benign. Review status: criteria provided, multiple submitters, no conflicts (2 of 4 stars). 8 submissions from 8 submitters: Benign (5); Likely benign (3). Last evaluated 2026-02-04.

Conditions:
Aicardi-Goutieres syndrome 2. Identifiers: Orphanet 51, MedGen C3489724, MONDO:0012429, OMIM 610181.

Allele frequency attached by ClinVar (database versions not stated): gnomAD exomes 0.00083 and 0.00256; ExAC 0.00332; 1000 Genomes Project 0.00899; gnomAD 0.00908 and 0.00984; 1000 Genomes Project 30x 0.01046; TOPMed 0.01058; ESP Exome Variant Server 0.01276.
gnomAD v4.1: 2,652 of 1,613,016 alleles (0.16%); highest among the groups gnomAD compares: African/African-American, 3.1%; 37 homozygotes.

Submissions (8):

Labcorp Genetics (formerly Invitae), Labcorp
Classification: Benign for Aicardi-Goutieres syndrome 2. Last evaluated: 2026-02-04. Review status: criteria provided, single submitter. Criteria: Invitae Variant Classification Sherloc (09022015). Collection method: clinical testing. Allele origin: germline.

Women's Health and Genetics/Laboratory Corporation of America, LabCorp
Classification: Benign. Last evaluated: 2026-01-22. Review status: criteria provided, single submitter. Criteria: LabCorp Variant Classification Summary - May 2015. Collection method: clinical testing. Allele origin: germline.

Mayo Clinic Laboratories, Mayo Clinic
Classification: Benign. Last evaluated: 2024-11-26. Review status: criteria provided, single submitter. Criteria: ACMG Guidelines, 2015. Collection method: clinical testing. Allele origin: germline. Observed: 1 variant allele.
Comment: BS1, BS2, BP4, BP7

Fulgent Genetics
Classification: Likely benign for Aicardi-Goutieres syndrome 2. Last evaluated: 2021-09-01. Review status: criteria provided, single submitter. Criteria: ACMG Guidelines, 2015. Collection method: clinical testing. Allele origin: unknown.

GeneDx
Classification: Benign. Last evaluated: 2021-06-22. Review status: criteria provided, single submitter. Criteria: GeneDx Variant Classification Process June 2021. Collection method: clinical testing. Allele origin: germline. Affected: yes.

Illumina Laboratory Services, Illumina
Classification: Likely benign for Aicardi-Goutieres syndrome 2. Last evaluated: 2017-04-28. Review status: criteria provided, single submitter. Criteria: ICSL Variant Classification Criteria 13 December 2019. Collection method: clinical testing. Allele origin: germline.
Comment: This variant was observed as part of a predisposition screen in an ostensibly healthy population. A literature search was performed for the gene, cDNA change, and amino acid change (where applicable). No publications were found based on this search. Allele frequency data from public databases allowed determination this variant is unlikely to cause disease. Therefore, this variant is classified as likely benign.

Breakthrough Genomics
Classification: Likely benign. Review status: criteria provided, single submitter. Criteria: ACMG Guidelines, 2015. Collection method: not provided. Allele origin: germline. Inheritance: Autosomal recessive inheritance. Affected: yes.

PreventionGenetics, part of Exact Sciences
Classification: Benign. Review status: criteria provided, single submitter. Criteria: ACMG Guidelines, 2015. Collection method: clinical testing. Allele origin: germline.

NM_024570.4(RNASEH2B):c.156G>A (p.Leu52=)

Gene: RNASEH2B (ribonuclease H2 subunit B; plus strand). Cytogenetic location: 13q14.3.
Variant type: single nucleotide variant.
Coding change: c.156G>A on transcript NM_024570.4 (MANE Select); coding-DNA position 156, G replaced by A.
Protein change: p.Leu52=; no amino-acid change (leucine 52 retained).
Molecular consequence: synonymous variant.
Genome position (GRCh38, 1-based): chr13:50,929,494, G>A. VCF-style: chr13-50929494-G-A. GRCh37 (hg19) VCF-style: chr13-51503630-G-A.
Other names: p.Leu52=; c.156G>A, p.Leu52= (NM_001142279.2).
Identifiers: ClinVar variation 261741 (VCV000261741.23), dbSNP rs35416748, ClinGen allele CA6985475.